The following is an entry in ClinVar:

NM_000206.3(IL2RG):c.257C>A (p.Thr86Asn)

Gene: IL2RG (interleukin 2 receptor subunit gamma; minus strand). Cytogenetic location: Xq13.1.
Variant type: single nucleotide variant.
Coding change: c.257C>A on transcript NM_000206.3 (MANE Select); coding-DNA position 257, C replaced by A.
Protein change: p.Thr86Asn; replaces threonine 86 with asparagine.
Molecular consequence: missense variant.
Genome position (GRCh38, 1-based): chrX:71,110,909, G>T on the plus strand (C>A on the coding strand, the complement: IL2RG is on the minus strand). VCF-style: chrX-71110909-G-T. GRCh37 (hg19) VCF-style: chrX-70330759-G-T.
Other names: short protein forms T86N.
Identifiers: ClinVar variation 3256570 (VCV003256570.1).

ClinVar aggregate classification (germline): Likely pathogenic (1 of 4 stars; one submission).

Conditions:
Combined immunodeficiency, X-linked (CIDX). Also called: IMMUNODEFICIENCY 6. Identifiers: MedGen C6022467, MONDO:0010730, OMIM 312863.

Submission:

Laboratory of Medical Genetics, National & Kapodistrian University of Athens
Classification: Likely pathogenic for Combined immunodeficiency, X-linked. Last evaluated: 2024-06-13. Review status: criteria provided, single submitter. Criteria: ACMG Guidelines, 2015. Collection method: clinical testing. Allele origin: germline. Affected: yes.
Comment: PM1, PM2, PP1, PP3 - Low frequency in gnomAD population databases. In silico prediction tools estimated that the variant could be damaging for the protein function/stracture. Multiple affeted individuals in the family with the same variant.